The following is an entry in ClinVar:

ClinVar aggregate classification (germline): Uncertain significance (1 of 4 stars; one submission).

Conditions:
Deficiency of hydroxymethylglutaryl-CoA lyase (HMGCLD). Also called: HMGCL DEFICIENCY; HYDROXYMETHYLGLUTARIC ACIDURIA; HMG-CoA LYASE DEFICIENCY; Defect in leucine metabolism; 3-hydroxy-3-methylglutaric aciduria. Identifiers: Orphanet 20, MedGen C1533587, MONDO:0009520, OMIM 246450.

Submission:

Labcorp Genetics (formerly Invitae), Labcorp
Classification: Uncertain significance for Deficiency of hydroxymethylglutaryl-CoA lyase. Last evaluated: 2022-06-22. Review status: criteria provided, single submitter. Criteria: Invitae Variant Classification Sherloc (09022015). Collection method: clinical testing. Allele origin: germline.
Comment: This sequence change replaces alanine, which is neutral and non-polar, with valine, which is neutral and non-polar, at codon 248 of the HMGCL protein (p.Ala248Val). This variant is not present in population databases (gnomAD no frequency). This variant has not been reported in the literature in individuals affected with HMGCL-related conditions. Algorithms developed to predict the effect of missense changes on protein structure and function are either unavailable or do not agree on the potential impact of this missense change (SIFT: "Deleterious"; PolyPhen-2: "Probably Damaging"; Align-GVGD: "Class C0"). In summary, the available evidence is currently insufficient to determine the role of this variant in disease. Therefore, it has been classified as a Variant of Uncertain Significance.

NM_000191.3(HMGCL):c.743C>T (p.Ala248Val)

Gene: HMGCL (3-hydroxy-3-methylglutaryl-CoA lyase; minus strand). Cytogenetic location: 1p36.11.
Variant type: single nucleotide variant.
Coding change: c.743C>T on transcript NM_000191.3 (MANE Select); coding-DNA position 743, C replaced by T.
Protein change: p.Ala248Val; replaces alanine 248 with valine.
Molecular consequence: missense variant.
Genome position (GRCh38, 1-based): chr1:23,808,142, G>A on the plus strand (C>T on the coding strand, the complement: HMGCL is on the minus strand). VCF-style: chr1-23808142-G-A. GRCh37 (hg19) VCF-style: chr1-24134632-G-A.
Other names: c.530C>T, p.Ala177Val (NM_001166059.2); short protein forms A177V, A248V.
Identifiers: ClinVar variation 2008939 (VCV002008939.4), dbSNP rs2521404046, ClinGen allele CA339023082.